The following is an entry in ClinVar:

NM_001378615.1(CC2D2A):c.2196C>T (p.Val732=)

Genes: CC2D2A (coiled-coil and C2 domain containing 2A; plus strand), FBXL5 (F-box and leucine rich repeat protein 5; minus strand). Cytogenetic location: 4p15.32.
Variant type: single nucleotide variant.
Coding change: c.2196C>T on transcript NM_001378615.1 (MANE Select); coding-DNA position 2196, C replaced by T.
Protein change: p.Val732=; no amino-acid change (valine 732 retained).
Molecular consequence: synonymous variant.
Genome position (GRCh38, 1-based): chr4:15,550,838, C>T. VCF-style: chr4-15550838-C-T. GRCh37 (hg19) VCF-style: chr4-15552461-C-T.
Other names: c.2196C>T, p.Val732= (NM_001080522.2); c.2049C>T, p.Val683= (NM_001378617.1).
Identifiers: ClinVar variation 596515 (VCV000596515.18), dbSNP rs764246302, ClinGen allele CA2863865.
Genomic context (GRCh38, chr4:15,550,838, plus strand): 5'-ACACTACTGCTGTTTTTATTGGCTATTTCTCTTCTCTGGTTTTCAGGTCTATGAAACTGT[C>T]GGACACAGTAGTCCCACCTTGCTAGCAGAAGTGTTTCTGCCTATTCCTGAGACTACTGTT-3'
Protein context (NP_001365544.1, residues 722-742): ESLTLQVYET[Val732=]GHSSPTLLAE

ClinVar aggregate classification (germline): Conflicting classifications of pathogenicity. Review status: criteria provided, conflicting classifications (1 of 4 stars). 4 submissions from 4 submitters: Uncertain significance (1); Likely benign (3). Last evaluated 2025-11-05.

Conditions:
Meckel-Gruber syndrome. Also called: Dysencephalia splachnocystica; DYSENCEPHALIA SPLANCHNOCYSTICA; GRUBER SYNDROME. Identifiers: Orphanet 564, MedGen C0265215, MONDO:0018921.
Joubert syndrome. Also called: Familial aplasia of the vermis; JOUBERT-BOLTSHAUSER SYNDROME. Identifiers: Orphanet 475, MedGen C5979921, MONDO:0018772.

Allele frequency attached by ClinVar (database versions not stated): gnomAD exomes below 0.00001 and 0.00001; ExAC 0.00001; gnomAD 0.00001.
gnomAD v4.1: 16 of 1,570,754 alleles (0.001%); highest among the groups gnomAD compares: East Asian, 0.011%; no homozygotes.

Submissions (4):

Labcorp Genetics (formerly Invitae), Labcorp
Classification: Likely benign for Joubert syndrome; Meckel-Gruber syndrome. Last evaluated: 2025-11-05. Review status: criteria provided, single submitter. Criteria: Invitae Variant Classification Sherloc (09022015). Collection method: clinical testing. Allele origin: germline.

CeGaT Center for Human Genetics Tuebingen
Classification: Likely benign. Last evaluated: 2025-03-01. Review status: criteria provided, single submitter. Criteria: CeGaT Center For Human Genetics Tuebingen Variant Classification Criteria Version 2. Collection method: clinical testing. Allele origin: germline. Affected: yes. Observed: 1 variant allele.
Comment: CC2D2A: BP4, BP7

Blueprint Genetics
Classification: Likely benign. Last evaluated: 2023-12-22. Review status: criteria provided, single submitter. Criteria: ACMG Guidelines, 2015. Collection method: clinical testing. Allele origin: germline.

Eurofins Ntd Llc (ga)
Classification: Uncertain significance. Last evaluated: 2018-03-13. Review status: criteria provided, single submitter. Criteria: EGL ClinVar v180209 classification definitions. Collection method: clinical testing. Allele origin: germline. Observed: 1 variant allele, 1 heterozygote.